The following is an entry in ClinVar:

ClinVar aggregate classification (germline): Benign. Review status: criteria provided, multiple submitters, no conflicts (2 of 4 stars). 4 submissions from 4 submitters: Benign (3). 1 of the submissions does not count toward it. Last evaluated 2025-11-13.

Conditions:
Developmental and epileptic encephalopathy, 69. Also called: EPILEPTIC ENCEPHALOPATHY, EARLY INFANTILE, 69. Identifiers: MedGen C4748988, MONDO:0032657, OMIM 618285.
CACNA1E-related disorder. Also called: CACNA1E-related condition.

Allele frequency attached by ClinVar (database versions not stated): gnomAD exomes 0.00002 and 0.00008; ExAC 0.00010; ESP Exome Variant Server 0.00016; 1000 Genomes Project 0.00020; gnomAD 0.00025 and 0.00029; TOPMed 0.00027; 1000 Genomes Project 30x 0.00031.
gnomAD v4.1: 72 of 1,592,360 alleles (0.0045%); highest among the groups gnomAD compares: African/African-American, 0.095%; no homozygotes.

Submissions (4):

Labcorp Genetics (formerly Invitae), Labcorp
Classification: Benign. Last evaluated: 2025-11-13. Review status: criteria provided, single submitter. Criteria: Invitae Variant Classification Sherloc (09022015). Collection method: clinical testing. Allele origin: germline.

Genome-Nilou Lab
Classification: Benign for Developmental and epileptic encephalopathy, 69. Last evaluated: 2023-04-11. Review status: criteria provided, single submitter. Criteria: ACMG Guidelines, 2015. Collection method: clinical testing. Allele origin: germline. Affected: no.

GeneDx
Classification: Benign. Last evaluated: 2021-06-18. Review status: criteria provided, single submitter. Criteria: GeneDx Variant Classification Process June 2021. Collection method: clinical testing. Allele origin: germline. Affected: yes.

PreventionGenetics, part of Exact Sciences
Classification: Likely benign for CACNA1E-related condition. Last evaluated: 2019-03-01. Review status: no assertion criteria provided. Collection method: clinical testing. Allele origin: germline. Not counted in ClinVar's aggregate classification.
Comment: This variant is classified as likely benign based on ACMG/AMP sequence variant interpretation guidelines (Richards et al. 2015 PMID: 25741868, with internal and published modifications).

NM_001205293.3(CACNA1E):c.3012C>A (p.Thr1004=)

Gene: CACNA1E (calcium voltage-gated channel subunit alpha1 E; plus strand). Cytogenetic location: 1q25.3.
Variant type: single nucleotide variant.
Coding change: c.3012C>A on transcript NM_001205293.3 (MANE Select); coding-DNA position 3012, C replaced by A.
Protein change: p.Thr1004=; no amino-acid change (threonine 1004 retained).
Molecular consequence: synonymous variant.
Genome position (GRCh38, 1-based): chr1:181,733,500, C>A. VCF-style: chr1-181733500-C-A. GRCh37 (hg19) VCF-style: chr1-181702636-C-A.
Other names: c.3012C>A, p.Thr1004= (NM_000721.4); c.2955C>A, p.Thr985= (NM_001205294.2).
Identifiers: ClinVar variation 1170212 (VCV001170212.14), dbSNP rs377234151, ClinGen allele CA1275457.